The following is an entry in ClinVar:

ClinVar aggregate classification (germline): Likely pathogenic. Review status: criteria provided, single submitter (1 of 4 stars). 2 submissions from 2 submitters: Likely pathogenic (1). 1 of the submissions does not count toward it. Last evaluated 2023-02-23.

Conditions:
Growth delay due to insulin-like growth factor I resistance. Also called: Somatomedin end-organ insensitivity to; Somatomedin-c resistance to; IGF-1 resistance; IGF-I RESISTANCE; Insulin-Like Growth Factor I Resistance. Identifiers: Orphanet 73273, MedGen C1849157, MONDO:0010038, OMIM 270450.

Allele frequency attached by ClinVar (database versions not stated): gnomAD exomes below 0.00001.
gnomAD v4.1: 2 of 1,614,158 alleles (0.00012%); highest among the groups gnomAD compares: Non-Finnish European, 0.00017%; no homozygotes.

Submissions (2):

3billion
Classification: Likely pathogenic for Growth delay due to insulin-like growth factor I resistance. Last evaluated: 2023-02-23. Review status: criteria provided, single submitter. Criteria: ACMG Guidelines, 2015. Collection method: clinical testing. Allele origin: unknown. Affected: yes.
Comment: The variant is not observed in the gnomAD v2.1.1 dataset. Functional studies provide strong evidence of the variant having a damaging effect on the gene or gene product (PMID: 22130793). In silico tool predictions suggest damaging effect of the variant on gene or gene product (REVEL: 0.86). Same nucleotide change resulting in same amino acid change has been previously reported to be associated with IGF1R related disorder . Therefore, this variant is classified as Likely pathogenic according to the recommendation of ACMG/AMP guideline.

OMIM
Classification: protective for INSULIN-LIKE GROWTH FACTOR I, RESISTANCE TO. Last evaluated: 2017-12-12. Review status: no assertion criteria provided. Collection method: literature only. Allele origin: germline. Not counted in ClinVar's aggregate classification.

Literature cited by the submitters: PubMed 22130793 (cited by 3billion and OMIM).

NM_000875.5(IGF1R):c.361G>A (p.Glu121Lys)

Gene: IGF1R (insulin like growth factor 1 receptor; plus strand). Cytogenetic location: 15q26.3.
Variant type: single nucleotide variant.
Coding change: c.361G>A on transcript NM_000875.5 (MANE Select); coding-DNA position 361, G replaced by A.
Protein change: p.Glu121Lys; replaces glutamic acid 121 with lysine.
Molecular consequence: missense variant.
Genome position (GRCh38, 1-based): chr15:98,707,828, G>A. VCF-style: chr15-98707828-G-A. GRCh37 (hg19) VCF-style: chr15-99251057-G-A.
Other names: c.361G>A, p.Glu121Lys (NM_001291858.2); short protein forms E121K.
Identifiers: ClinVar variation 446754 (VCV000446754.2), dbSNP rs1555434208, ClinGen allele CA393697104.